The following is an entry in ClinVar:

NM_000059.4(BRCA2):c.3938A>G (p.Tyr1313Cys)

Gene: BRCA2 (BRCA2 DNA repair associated; plus strand). Cytogenetic location: 13q13.1.
Variant type: single nucleotide variant.
Coding change: c.3938A>G on transcript NM_000059.4 (MANE Select); coding-DNA position 3938, A replaced by G.
Protein change: p.Tyr1313Cys; replaces tyrosine 1313 with cysteine.
Molecular consequence: missense variant.
Genome position (GRCh38, 1-based): chr13:32,338,293, A>G. VCF-style: chr13-32338293-A-G. GRCh37 (hg19) VCF-style: chr13-32912430-A-G.
Other names: short protein forms Y1313C.
Identifiers: ClinVar variation 51568 (VCV000051568.6), dbSNP rs80358639, ClinGen allele CA019236.
Genomic context (GRCh38, chr13:32,338,293, plus strand): 5'-TATTACAAAATAATATTGAAATGACTACTGGCACTTTTGTTGAAGAAATTACTGAAAATT[A>G]CAAGAGAAATACTGAAAATGAAGATAACAAATATACTGCTGCCAGTAGAAATTCTCATAA-3'
Protein context (NP_000050.3, residues 1303-1323): GTFVEEITEN[Tyr1313Cys]KRNTENEDNK

ClinVar aggregate classification (germline): Conflicting classifications of pathogenicity. Review status: criteria provided, conflicting classifications (1 of 4 stars). 3 submissions from 3 submitters: Uncertain significance (1); Likely benign (1). 1 of the submissions does not count toward it. Last evaluated 2024-02-09.

Conditions:
Hereditary breast ovarian cancer syndrome. Also called: Hereditary breast and ovarian cancer syndrome; Hereditary breast and ovarian cancer; Hereditary breast and ovarian cancer syndrome (HBOC); Breast and ovarian cancer; Hereditary breast and/or ovarian cancer syndrome; BRCA1- and BRCA2-Associated Hereditary Breast and Ovarian Cancer. Identifiers: Orphanet 145, MedGen C0677776, MeSH D061325, MONDO:0003582. Disease mechanism: loss of function.
Breast-ovarian cancer, familial, susceptibility to, 2 (BROVCA2). Also called: BRCA2 Hereditary Breast and Ovarian Cancer. Identifiers: Orphanet 145, MedGen C2675520, MONDO:0012933, OMIM 612555. Disease mechanism: loss of function.
Hereditary cancer-predisposing syndrome. Also called: Neoplastic Syndromes, Hereditary; Tumor predisposition; Hereditary Cancer Syndrome; Hereditary neoplastic syndrome. Identifiers: Orphanet 140162, MedGen C0027672, MeSH D009386, MONDO:0015356.

Allele frequency attached by ClinVar (database versions not stated): TOPMed below 0.00001.

Submissions (3):

Labcorp Genetics (formerly Invitae), Labcorp
Classification: Uncertain significance for Hereditary breast ovarian cancer syndrome. Last evaluated: 2024-02-09. Review status: criteria provided, single submitter. Criteria: Invitae Variant Classification Sherloc (09022015). Collection method: clinical testing. Allele origin: germline.
Comment: This sequence change replaces tyrosine, which is neutral and polar, with cysteine, which is neutral and slightly polar, at codon 1313 of the BRCA2 protein (p.Tyr1313Cys). This variant is not present in population databases (gnomAD no frequency). This variant has not been reported in the literature in individuals affected with BRCA2-related conditions. ClinVar contains an entry for this variant (Variation ID: 51568). Advanced modeling of protein sequence and biophysical properties (such as structural, functional, and spatial information, amino acid conservation, physicochemical variation, residue mobility, and thermodynamic stability) performed at Invitae indicates that this missense variant is not expected to disrupt BRCA2 protein function with a negative predictive value of 95%. In summary, the available evidence is currently insufficient to determine the role of this variant in disease. Therefore, it has been classified as a Variant of Uncertain Significance.

University of Washington Department of Laboratory Medicine, University of Washington
Classification: Likely benign for Hereditary cancer-predisposing syndrome. Last evaluated: 2023-03-23. Review status: criteria provided, single submitter. Criteria: Dines et al. (Genet Med. 2020). Collection method: curation. Allele origin: germline.
Comment: Missense variant in a coldspot region where missense variants are very unlikely to be pathogenic (PMID:31911673).

BRCA2 exon 11 coldspot. Reclassification based on statistical prior probability.

Breast Cancer Information Core (BIC) (BRCA2)
Classification: Uncertain significance for Breast-ovarian cancer, familial 2. Last evaluated: 2003-12-23. Review status: no assertion criteria provided. Collection method: clinical testing. Allele origin: germline. Affected: yes. Observed: 1 variant allele. Not counted in ClinVar's aggregate classification.